The following is an entry in ClinVar:

ClinVar aggregate classification (germline): Uncertain significance (1 of 4 stars; one submission).

Conditions:
Early-infantile DEE. Also called: Ohtahara syndrome; Early infantile epileptic encephalopathy; Early infantile epileptic encephalopathy with suppression bursts. Identifiers: Orphanet 1934, MedGen C0393706, MONDO:0800491.

Submission:

Labcorp Genetics (formerly Invitae), Labcorp
Classification: Uncertain significance for Early-infantile DEE. Last evaluated: 2022-10-25. Review status: criteria provided, single submitter. Criteria: Invitae Variant Classification Sherloc (09022015). Collection method: clinical testing. Allele origin: germline.
Comment: This sequence change affects an acceptor splice site in intron 5 of the KCNH5 gene. It is expected to disrupt RNA splicing. Variants that disrupt the donor or acceptor splice site typically lead to a loss of protein function (PMID: 16199547), however the current clinical and genetic evidence is not sufficient to establish whether loss-of-function variants in KCNH5 cause disease. This variant is not present in population databases (gnomAD no frequency). This variant has not been reported in the literature in individuals affected with KCNH5-related conditions. Algorithms developed to predict the effect of sequence changes on RNA splicing suggest that this variant may disrupt the consensus splice site. In summary, the available evidence is currently insufficient to determine the role of this variant in disease. Therefore, it has been classified as a Variant of Uncertain Significance.

Literature cited by the submitters: PubMed 16199547.

NM_139318.5(KCNH5):c.550-1G>C

Gene: KCNH5 (potassium voltage-gated channel subfamily H member 5; minus strand). Cytogenetic location: 14q23.2.
Variant type: single nucleotide variant.
Coding change: c.550-1G>C on transcript NM_139318.5 (MANE Select); the canonical splice acceptor site of the intron before coding-DNA position 550, G replaced by C.
Molecular consequence: splice acceptor variant.
Genome position (GRCh38, 1-based): chr14:62,981,265, C>G on the plus strand (G>C on the coding strand, the complement: KCNH5 is on the minus strand). VCF-style: chr14-62981265-C-G. GRCh37 (hg19) VCF-style: chr14-63447983-C-G.
Other names: c.550-1G>C (NM_172375.3).
Identifiers: ClinVar variation 1994186 (VCV001994186.4), dbSNP rs2503045044, ClinGen allele CA390104667.